The following is an entry in ClinVar:

ClinVar aggregate classification (germline): Benign/Likely benign. Review status: criteria provided, multiple submitters, no conflicts (2 of 4 stars). 2 submissions from 2 submitters: Benign (1); Likely benign (1). Last evaluated 2025-04-30.

Submissions (2):

Women's Health and Genetics/Laboratory Corporation of America, LabCorp
Classification: Likely benign. Last evaluated: 2025-04-30. Review status: criteria provided, single submitter. Criteria: LabCorp Variant Classification Summary - May 2015. Collection method: clinical testing. Allele origin: germline.
Comment: Variant summary: POU1F1 c.666-6dupC alters a non-conserved nucleotide located at a position not widely known to affect splicing. Consensus agreement among computation tools predict no significant impact on normal splicing. However, these predictions have yet to be confirmed by functional studies. The variant allele was found at a frequency of 3.7e-05 in 243964 control chromosomes. The available data on variant occurrences in the general population are insufficient to allow any conclusion about variant significance. To our knowledge, no occurrence of c.666-6dupC in individuals affected with Combined Pituitary Hormone Deficiency and no experimental evidence demonstrating its impact on protein function have been reported. ClinVar contains an entry for this variant (Variation ID: 2908288). Based on the evidence outlined above, the variant was classified as likely benign.

Labcorp Genetics (formerly Invitae), Labcorp
Classification: Benign. Last evaluated: 2023-10-30. Review status: criteria provided, single submitter. Criteria: Invitae Variant Classification Sherloc (09022015). Collection method: clinical testing. Allele origin: germline.

NM_000306.4(POU1F1):c.666-6dup

Gene: POU1F1 (POU class 1 homeobox 1; minus strand). Cytogenetic location: 3p11.2.
Variant type: Duplication.
Coding change: c.666-6dup on transcript NM_000306.4 (MANE Select); 6 bases into the intron before coding-DNA position 666, one base duplicated (C; older notation c.666-6dupC).
Molecular consequence: intron variant.
Genome position (GRCh38, 1-based): chr3:87,260,110, G duplicated on the plus strand (C on the coding strand, the reverse complement: POU1F1 is on the minus strand); the first of 6 consecutive G bases (chr3:87,260,110-87,260,115); duplicating any one gives the same sequence. VCF-style (leftmost placement, unchanged base first): chr3-87260109-C-CG. GRCh37 (hg19) VCF-style: chr3-87309259-C-CG.
Other names: c.666-6dupC (NM_000306.4); c.744-6dup (NM_001122757.3).
Identifiers: ClinVar variation 2908288 (VCV002908288.5), dbSNP rs376889886, ClinGen allele CA544801217.